The following is an entry in ClinVar:

ClinVar aggregate classification (germline): Pathogenic (1 of 4 stars; one submission).

Conditions:
Charcot-Marie-Tooth disease type 4. Also called: Charcot-Marie-Tooth, Type 4; Charcot-Marie-Tooth disease, type IV. Identifiers: Orphanet 64749, MedGen C4082197, MONDO:0018995.

Submission:

Labcorp Genetics (formerly Invitae), Labcorp
Classification: Pathogenic for Charcot-Marie-Tooth disease type 4. Last evaluated: 2020-04-08. Review status: criteria provided, single submitter. Criteria: Invitae Variant Classification Sherloc (09022015). Collection method: clinical testing. Allele origin: germline.
Comment: For these reasons, this variant has been classified as Pathogenic. Loss-of-function variants in FGD4 are known to be pathogenic (PMID: 17564972). This variant has not been reported in the literature in individuals with FGD4-related conditions. This variant is not present in population databases (ExAC no frequency). This sequence change creates a premature translational stop signal (p.Cys614Leufs*11) in the FGD4 gene. It is expected to result in an absent or disrupted protein product.

Literature cited by the submitters: PubMed 17564972.

NM_001370298.3(FGD4):c.2252_2253del (p.Cys751fs)

Gene: FGD4 (FYVE, RhoGEF and PH domain containing 4; plus strand). Cytogenetic location: 12p11.21.
Variant type: Deletion.
Coding change: c.2252_2253del on transcript NM_001370298.3 (MANE Select); coding-DNA positions 2252 to 2253, 2 bases deleted (GT; older notation c.2252_2253delGT).
Protein change: p.Cys751fs; shifts the reading frame from cysteine 751.
Molecular consequence: frameshift variant.
Genome position (GRCh38, 1-based): chr12:32,633,628-32,633,629, GT deleted; deleting any 2 consecutive bases within chr12:32,633,627-32,633,629 gives the same sequence; the c. name uses the placement nearest the transcript's 3' end. VCF-style (leftmost placement, unchanged base first): chr12-32633626-CTG-C. GRCh37 (hg19) VCF-style: chr12-32786560-CTG-C.
Other names: c.2096_2097delGT, p.Cys699Leufs (NM_001304481.2); c.1097_1098del, p.Cys366fs (NM_001304483.2); c.809_810del, p.Cys270fs (NM_001304484.2); c.1562_1563del, p.Cys521fs (NM_001330373.2, NM_001330374.2, NM_001384130.1); c.1289_1290del, p.Cys430fs (NM_001370297.1); c.2252_2253del, p.Cys751fs (NM_001384126.1); c.1841_1842del, p.Cys614fs (NM_001384127.1, NM_001384128.1, NM_001385118.1 and 1 more transcripts); short protein forms C270fs, C366fs, C430fs, C521fs, C614fs, C699fs, C751fs.
Identifiers: ClinVar variation 1075824 (VCV001075824.7), dbSNP rs1401878479, ClinGen allele CA604227616.